The following is an entry in ClinVar:

ClinVar aggregate classification (germline): Uncertain significance. Review status: criteria provided, multiple submitters, no conflicts (2 of 4 stars). 3 submissions from 3 submitters: Uncertain significance (3). Last evaluated 2025-01-02.

Conditions:
Inborn genetic diseases. Identifiers: MedGen C0950123, MeSH D030342.
FOXN1-related disorder. Also called: FOXN1-related condition.
T-cell immunodeficiency, congenital alopecia, and nail dystrophy. Also called: Congenital alopecia and nail dystrophy associated with severe functional T-cell immunodeficiency; Pignata Guarino syndrome. Identifiers: Orphanet 169095, MedGen C1866426, MONDO:0011132, OMIM 601705.

Allele frequency attached by ClinVar (database versions not stated): gnomAD exomes 0.00001 and 0.00002; gnomAD 0.00002; TOPMed 0.00003.

Submissions (3):

PreventionGenetics, part of Exact Sciences
Classification: Uncertain significance for FOXN1-related condition. Last evaluated: 2025-01-02. Review status: criteria provided, single submitter. Criteria: ACMG Guidelines, 2015. Collection method: clinical testing. Allele origin: germline.
Comment: The FOXN1 c.1355G>A variant is predicted to result in the amino acid substitution p.Gly452Glu. To our knowledge, this variant has not been reported in the literature. This variant is reported in 0.0023% of alleles in individuals of European (Non-Finnish) descent in gnomAD. At this time, the clinical significance of this variant is uncertain due to the absence of conclusive functional and genetic evidence.

Labcorp Genetics (formerly Invitae), Labcorp
Classification: Uncertain significance for T-cell immunodeficiency, congenital alopecia, and nail dystrophy. Last evaluated: 2023-08-10. Review status: criteria provided, single submitter. Criteria: Invitae Variant Classification Sherloc (09022015). Collection method: clinical testing. Allele origin: germline.
Comment: In summary, the available evidence is currently insufficient to determine the role of this variant in disease. Therefore, it has been classified as a Variant of Uncertain Significance. Advanced modeling of protein sequence and biophysical properties (such as structural, functional, and spatial information, amino acid conservation, physicochemical variation, residue mobility, and thermodynamic stability) performed at Invitae indicates that this missense variant is not expected to disrupt FOXN1 protein function. ClinVar contains an entry for this variant (Variation ID: 1518084). This variant has not been reported in the literature in individuals affected with FOXN1-related conditions. This variant is present in population databases (no rsID available, gnomAD 0.004%). This sequence change replaces glycine, which is neutral and non-polar, with glutamic acid, which is acidic and polar, at codon 452 of the FOXN1 protein (p.Gly452Glu).

Ambry Genetics
Classification: Uncertain significance for Inborn genetic diseases. Last evaluated: 2022-11-30. Review status: criteria provided, single submitter. Criteria: Ambry Variant Classification Scheme 2023. Collection method: clinical testing. Allele origin: germline.

NM_001369369.1(FOXN1):c.1355G>A (p.Gly452Glu)

Gene: FOXN1 (forkhead box N1; plus strand). Cytogenetic location: 17q11.2.
Variant type: single nucleotide variant.
Coding change: c.1355G>A on transcript NM_001369369.1 (MANE Select); coding-DNA position 1355, G replaced by A.
Protein change: p.Gly452Glu; replaces glycine 452 with glutamic acid.
Molecular consequence: missense variant.
Genome position (GRCh38, 1-based): chr17:28,534,926, G>A. VCF-style: chr17-28534926-G-A. GRCh37 (hg19) VCF-style: chr17-26861944-G-A.
Other names: c.1355G>A, p.Gly452Glu (NM_003593.3); c.1355G>A (NM_003593.2); short protein forms G452E.
Identifiers: ClinVar variation 1518084 (VCV001518084.8), dbSNP rs1335000418, ClinGen allele CA398326114.